The following is an entry in ClinVar:

NM_017780.4(CHD7):c.7102A>G (p.Met2368Val)

Gene: CHD7 (chromodomain helicase DNA binding protein 7; plus strand). Cytogenetic location: 8q12.2.
Variant type: single nucleotide variant.
Coding change: c.7102A>G on transcript NM_017780.4 (MANE Select); coding-DNA position 7102, A replaced by G.
Protein change: p.Met2368Val; replaces methionine 2368 with valine.
Molecular consequence: missense variant. On other transcripts: intron variant (1).
Genome position (GRCh38, 1-based): chr8:60,856,140, A>G. VCF-style: chr8-60856140-A-G. GRCh37 (hg19) VCF-style: chr8-61768699-A-G.
Other names: c.1717-6089A>G (NM_001316690.1); short protein forms M2368V.
Identifiers: ClinVar variation 3622626 (VCV003622626.2).

ClinVar aggregate classification (germline): Uncertain significance (1 of 4 stars; one submission).

Conditions:
CHARGE syndrome (CHARGE). Also called: Hittner Hirsch Kreh syndrome; CHARGE ASSOCIATION--COLOBOMA, HEART ANOMALY, CHOANAL ATRESIA, RETARDATION, GENITAL AND EAR ANOMALIES; Coloboma, heart anomaly, choanal atresia, retardation, genital and ear anomalies; CHARGE association; Hall-Hittner syndrome. Identifiers: Orphanet 138, MedGen C0265354, MONDO:0008965.

gnomAD v4.1: 7 of 1,608,654 alleles (0.00044%); highest among the groups gnomAD compares: East Asian, 0.0022%; no homozygotes.

Submission:

Labcorp Genetics (formerly Invitae), Labcorp
Classification: Uncertain significance for CHARGE syndrome. Last evaluated: 2024-10-21. Review status: criteria provided, single submitter. Criteria: Invitae Variant Classification Sherloc (09022015). Collection method: clinical testing. Allele origin: germline.
Comment: This sequence change replaces methionine, which is neutral and non-polar, with valine, which is neutral and non-polar, at codon 2368 of the CHD7 protein (p.Met2368Val). The frequency data for this variant in the population databases is considered unreliable, as metrics indicate poor data quality at this position in the gnomAD database. This variant has not been reported in the literature in individuals affected with CHD7-related conditions. Invitae Evidence Modeling of protein sequence and biophysical properties (such as structural, functional, and spatial information, amino acid conservation, physicochemical variation, residue mobility, and thermodynamic stability) indicates that this missense variant is not expected to disrupt CHD7 protein function with a negative predictive value of 95%. In summary, the available evidence is currently insufficient to determine the role of this variant in disease. Therefore, it has been classified as a Variant of Uncertain Significance.